The following is an entry in ClinVar:

ClinVar aggregate classification (germline): Uncertain significance (1 of 4 stars; one submission).

Conditions:
Hereditary pancreatitis (PCTT). Also called: Hereditary chronic pancreatitis; PRSS1-Related Hereditary Pancreatitis. Identifiers: Orphanet 676, MedGen C0238339, MONDO:0008185, OMIM 167800.

Submission:

Labcorp Genetics (formerly Invitae), Labcorp
Classification: Uncertain significance for Hereditary pancreatitis. Last evaluated: 2022-02-19. Review status: criteria provided, single submitter. Criteria: Invitae Variant Classification Sherloc (09022015). Collection method: clinical testing. Allele origin: germline.
Comment: ClinVar contains an entry for this variant (Variation ID: 657033). Experimental studies and prediction algorithms are not available or were not evaluated, and the functional significance of this variant is currently unknown. In summary, the available evidence is currently insufficient to determine the role of this variant in disease. Therefore, it has been classified as a Variant of Uncertain Significance. This variant has not been reported in the literature in individuals affected with CTRC-related conditions. This sequence change disrupts the translational stop signal of the CTRC mRNA. It is expected to extend the length of the CTRC protein by 15 additional amino acid residues. This variant is not present in population databases (gnomAD no frequency).

NM_007272.3(CTRC):c.805T>C (p.Ter269Arg)

Gene: CTRC (chymotrypsin C; plus strand). Cytogenetic location: 1p36.21.
Variant type: single nucleotide variant.
Coding change: c.805T>C on transcript NM_007272.3 (MANE Select); coding-DNA position 805, T replaced by C.
Protein change: p.Ter269Arg.
Molecular consequence: stop lost.
Genome position (GRCh38, 1-based): chr1:15,446,587, T>C. VCF-style: chr1-15446587-T-C. GRCh37 (hg19) VCF-style: chr1-15773082-T-C.
Other names: *269R.
Identifiers: ClinVar variation 657033 (VCV000657033.8), dbSNP rs1570787652, ClinGen allele CA338568401.
Genomic context (GRCh38, chr1:15,446,587, plus strand): 5'-GAAGGTGGCACAGCCCTGAGTCTCTCACACTGTTCTCTGCTCCTCCAGAAAATGCAGCTG[T>C]GATTTGTTGCTGGGAGCGGCGGCAGCGAGTCCCTGCAACAGCAATAAACTTCCTTCTCCT-3'